The following is an entry in ClinVar:

NM_014014.5(SNRNP200):c.1849A>T (p.Ile617Phe)

Gene: SNRNP200 (small nuclear ribonucleoprotein U5 subunit 200; minus strand). Cytogenetic location: 2q11.2.
Variant type: single nucleotide variant.
Coding change: c.1849A>T on transcript NM_014014.5 (MANE Select); coding-DNA position 1849, A replaced by T.
Protein change: p.Ile617Phe; replaces isoleucine 617 with phenylalanine.
Molecular consequence: missense variant.
Genome position (GRCh38, 1-based): chr2:96,293,503, T>A on the plus strand (A>T on the coding strand, the complement: SNRNP200 is on the minus strand). VCF-style: chr2-96293503-T-A. GRCh37 (hg19) VCF-style: chr2-96959241-T-A.
Other names: short protein forms I617F.
Identifiers: ClinVar variation 4746935 (VCV004746935.1).
Genomic context (GRCh38, chr2:96,293,503, plus strand): 5'-GGATGGCCCTGGCCACTAAAGCTTCTAAGACAGGACCTCTGTCATCGTGGAGAAGATGAA[T>A]CTCATCCTACGGAATTGGAGGACAGAAATTACCTCTAGCACTAGAGATACATAGTCCCTT-3'
Protein context (NP_054733.2, residues 607-627): QLVRLIILDE[Ile617Phe]HLLHDDRGPV

ClinVar aggregate classification (germline): Uncertain significance (1 of 4 stars; one submission).

Submission:

Labcorp Genetics (formerly Invitae), Labcorp
Classification: Uncertain significance. Last evaluated: 2025-08-02. Review status: criteria provided, single submitter. Criteria: Invitae Variant Classification Sherloc (09022015). Collection method: clinical testing. Allele origin: germline.
Comment: This sequence change replaces isoleucine, which is neutral and non-polar, with phenylalanine, which is neutral and non-polar, at codon 617 of the SNRNP200 protein (p.Ile617Phe). This variant is not present in population databases (gnomAD no frequency). This variant has not been reported in the literature in individuals affected with SNRNP200-related conditions. Invitae Evidence Modeling of protein sequence and biophysical properties (such as structural, functional, and spatial information, amino acid conservation, physicochemical variation, residue mobility, and thermodynamic stability) has been performed for this missense variant. However, the output from this modeling did not meet the statistical confidence thresholds required to predict the impact of this variant on SNRNP200 protein function. In summary, the available evidence is currently insufficient to determine the role of this variant in disease. Therefore, it has been classified as a Variant of Uncertain Significance.